The following is an entry in ClinVar:

NM_003597.5(KLF11):c.1193T>A (p.Phe398Tyr)

Gene: KLF11 (KLF transcription factor 11; plus strand). Cytogenetic location: 2p25.1.
Variant type: single nucleotide variant.
Coding change: c.1193T>A on transcript NM_003597.5 (MANE Select); coding-DNA position 1193, T replaced by A.
Protein change: p.Phe398Tyr; replaces phenylalanine 398 with tyrosine.
Molecular consequence: missense variant.
Genome position (GRCh38, 1-based): chr2:10,048,530, T>A. VCF-style: chr2-10048530-T-A. GRCh37 (hg19) VCF-style: chr2-10188657-T-A.
Other names: c.1142T>A, p.Phe381Tyr (NM_001177716.2, NM_001177718.2); short protein forms F381Y, F398Y.
Identifiers: ClinVar variation 5006053 (VCV005006053.2).

ClinVar aggregate classification (germline): Uncertain significance (1 of 4 stars; one submission).

Conditions:
Maturity-onset diabetes of the young type 7 (MODY7). Identifiers: Orphanet 552, MedGen C1864839, MONDO:0012513, OMIM 610508.

Submission:

Juno Genomics, Hangzhou Juno Genomics, Inc
Classification: Uncertain significance for Maturity-onset diabetes of the young type 7. Review status: criteria provided, single submitter. Criteria: ACMG Guidelines, 2015. Collection method: clinical testing. Allele origin: germline.
Comment: Absent from controls (or at extremely low frequency if recessive) in Genome Aggregation Database.;Multiple lines of computational evidence suggest no impact on gene or gene product.